The following is an entry in ClinVar:

ClinVar aggregate classification (germline): Uncertain significance. Review status: criteria provided, multiple submitters, no conflicts (2 of 4 stars). 2 submissions from 2 submitters: Uncertain significance (2). Last evaluated 2024-06-21.

Conditions:
Hereditary cancer-predisposing syndrome. Also called: Neoplastic Syndromes, Hereditary; Tumor predisposition; Hereditary neoplastic syndrome; Hereditary Cancer Syndrome. Identifiers: Orphanet 140162, MedGen C0027672, MeSH D009386, MONDO:0015356.
Familial melanoma. Also called: Hereditary melanoma; Hereditary cutaneous melanoma. Identifiers: Orphanet 618, MedGen C1512419, MONDO:0018961.

Submissions (2):

Labcorp Genetics (formerly Invitae), Labcorp
Classification: Uncertain significance for Familial melanoma. Last evaluated: 2024-06-21. Review status: criteria provided, single submitter. Criteria: Invitae Variant Classification Sherloc (09022015). Collection method: clinical testing. Allele origin: germline.
Comment: This sequence change replaces glycine, which is neutral and non-polar, with aspartic acid, which is acidic and polar, at codon 151 of the CDK4 protein (p.Gly151Asp). This variant is not present in population databases (gnomAD no frequency). This variant has not been reported in the literature in individuals affected with CDK4-related conditions. ClinVar contains an entry for this variant (Variation ID: 824976). Advanced modeling of protein sequence and biophysical properties (such as structural, functional, and spatial information, amino acid conservation, physicochemical variation, residue mobility, and thermodynamic stability) performed at Invitae indicates that this missense variant is not expected to disrupt CDK4 protein function with a negative predictive value of 95%. In summary, the available evidence is currently insufficient to determine the role of this variant in disease. Therefore, it has been classified as a Variant of Uncertain Significance.

Ambry Genetics
Classification: Uncertain significance for Hereditary cancer-predisposing syndrome. Last evaluated: 2018-11-26. Review status: criteria provided, single submitter. Criteria: Ambry Variant Classification Scheme 2023. Collection method: clinical testing. Allele origin: germline.
Comment: The p.G151D variant (also known as c.452G>A), located in coding exon 3 of the CDK4 gene, results from a G to A substitution at nucleotide position 452. The glycine at codon 151 is replaced by aspartic acid, an amino acid with similar properties. This amino acid position is poorly conserved in available vertebrate species. In addition, this alteration is predicted to be tolerated by in silico analysis. Since supporting evidence is limited at this time, the clinical significance of this alteration remains unclear.

NM_000075.4(CDK4):c.452G>A (p.Gly151Asp)

Gene: CDK4 (cyclin dependent kinase 4; minus strand). Cytogenetic location: 12q14.1.
Variant type: single nucleotide variant.
Coding change: c.452G>A on transcript NM_000075.4 (MANE Select); coding-DNA position 452, G replaced by A.
Protein change: p.Gly151Asp; replaces glycine 151 with aspartic acid.
Molecular consequence: missense variant.
Genome position (GRCh38, 1-based): chr12:57,750,993, C>T on the plus strand (G>A on the coding strand, the complement: CDK4 is on the minus strand). VCF-style: chr12-57750993-C-T. GRCh37 (hg19) VCF-style: chr12-58144776-C-T.
Other names: short protein forms G151D.
Identifiers: ClinVar variation 824976 (VCV000824976.6), dbSNP rs1595110472, ClinGen allele CA385546421.